The following is an entry in ClinVar:

ClinVar aggregate classification (germline): Likely benign (1 of 4 stars; one submission).

Conditions:
KIDINS220-related disorder. Also called: KIDINS220-related condition.

gnomAD v4.1: 1 of 1,614,180 alleles (0.000062%); highest among the groups gnomAD compares: Admixed American, 0.0017%; no homozygotes.

Submission:

PreventionGenetics, part of Exact Sciences
Classification: Likely benign for KIDINS220-related condition. Last evaluated: 2026-04-02. Review status: criteria provided, single submitter. Criteria: ACMG Guidelines, 2015. Collection method: clinical testing. Allele origin: germline.
Comment: This variant is classified as likely benign based on ACMG/AMP sequence variant interpretation guidelines (Richards et al. 2015 PMID: 25741868, with internal and published modifications).

NM_020738.4(KIDINS220):c.2517C>T (p.His839=)

Gene: KIDINS220 (kinase D interacting substrate 220; minus strand). Cytogenetic location: 2p25.1.
Variant type: single nucleotide variant.
Coding change: c.2517C>T on transcript NM_020738.4 (MANE Select); coding-DNA position 2517, C replaced by T.
Protein change: p.His839=; no amino-acid change (histidine 839 retained).
Molecular consequence: synonymous variant. On other transcripts: non-coding transcript variant (2).
Genome position (GRCh38, 1-based): chr2:8,778,993, G>A on the plus strand (C>T on the coding strand, the complement: KIDINS220 is on the minus strand). VCF-style: chr2-8778993-G-A. GRCh37 (hg19) VCF-style: chr2-8919123-G-A.
Other names: c.2520C>T, p.His840= (NM_001348729.2, NM_001348731.2, NM_001348734.2 and 3 more transcripts); c.2517C>T, p.His839= (NM_001348732.2, NM_001348735.2, NM_001348738.2 and 3 more transcripts); c.2391C>T, p.His797= (NM_001348736.2).
Identifiers: ClinVar variation 4990055 (VCV004990055.1).